The following is an entry in ClinVar:

NM_020822.3(KCNT1):c.2482C>T (p.Arg828Cys)

Gene: KCNT1 (potassium sodium-activated channel subfamily T member 1; plus strand). Cytogenetic location: 9q34.3.
Variant type: single nucleotide variant.
Coding change: c.2482C>T on transcript NM_020822.3 (MANE Select); coding-DNA position 2482, C replaced by T.
Protein change: p.Arg828Cys; replaces arginine 828 with cysteine.
Molecular consequence: missense variant.
Genome position (GRCh38, 1-based): chr9:135,777,470, C>T. VCF-style: chr9-135777470-C-T. GRCh37 (hg19) VCF-style: chr9-138669316-C-T.
Other names: c.2347C>T, p.Arg783Cys (NM_001272003.2); c.2482C>T (NM_020822.2); short protein forms R783C, R828C.
Identifiers: ClinVar variation 1439158 (VCV001439158.12), dbSNP rs370800291, ClinGen allele CA5327314.
Genomic context (GRCh38, chr9:135,777,470, plus strand): 5'-GAGACGGCCGGCAATGGGCTGTACAACTTCATCGTGCCACTGCGGGCCTACTACAGATCC[C>T]GCAAGGAGCTGAACCCCATCGTGCTGCTGCTGGACAACAAGTGAGGCTCCTGGGGCTCAG-3'
Protein context (NP_065873.2, residues 818-838): IVPLRAYYRS[Arg828Cys]KELNPIVLLL

ClinVar aggregate classification (germline): Conflicting classifications of pathogenicity. Review status: criteria provided, conflicting classifications (1 of 4 stars). 6 submissions from 5 submitters: Uncertain significance (5); Likely benign (1). Last evaluated 2025-10-06.

Conditions:
Autosomal dominant nocturnal frontal lobe epilepsy 5. Also called: KCNT1-Related Epilepsy; CILIARY DYSKINESIA, PRIMARY, 28, WITH SITUS INVERSUS; Epilepsy, nocturnal frontal lobe, 5; CILIARY DYSKINESIA, PRIMARY, 28, WITHOUT SITUS INVERSUS. Identifiers: Orphanet 98784, MedGen C3554306, MONDO:0014002, OMIM 615005.
Developmental and epileptic encephalopathy, 14 (DEE14). Also called: Early infantile epileptic encephalopathy 14. Identifiers: Orphanet 293181, MedGen C3554195, MONDO:0013989, OMIM 614959.
Hearing impairment. Also called: Impaired Hearing. Identifiers: MedGen C1384666, MONDO:0005365, HP:0000365.
Inborn genetic diseases. Identifiers: MedGen C0950123, MeSH D030342.

Allele frequency attached by ClinVar (database versions not stated): gnomAD exomes 0.00002; ExAC 0.00003; TOPMed 0.00006; gnomAD 0.00007; ESP Exome Variant Server 0.00008; 1000 Genomes Project 30x 0.00016; 1000 Genomes Project 0.00020.
gnomAD v4.1: 42 of 1,614,012 alleles (0.0026%); highest among the groups gnomAD compares: African/African-American, 0.012%; no homozygotes.

Submissions (6):

Labcorp Genetics (formerly Invitae), Labcorp
Classification: Uncertain significance for Autosomal dominant nocturnal frontal lobe epilepsy 5; Developmental and epileptic encephalopathy, 14. Last evaluated: 2025-10-06. Review status: criteria provided, single submitter. Criteria: Invitae Variant Classification Sherloc (09022015). Collection method: clinical testing. Allele origin: germline.
Comment: This sequence change replaces arginine, which is basic and polar, with cysteine, which is neutral and slightly polar, at codon 828 of the KCNT1 protein (p.Arg828Cys). This variant is present in population databases (rs370800291, gnomAD 0.02%). This variant has not been reported in the literature in individuals affected with KCNT1-related conditions. ClinVar contains an entry for this variant (Variation ID: 1439158). Invitae Evidence Modeling of protein sequence and biophysical properties (such as structural, functional, and spatial information, amino acid conservation, physicochemical variation, residue mobility, and thermodynamic stability) indicates that this missense variant is not expected to disrupt KCNT1 protein function with a negative predictive value of 80%. In summary, the available evidence is currently insufficient to determine the role of this variant in disease. Therefore, it has been classified as a Variant of Uncertain Significance.

Ambry Genetics
Classification: Likely benign for Inborn genetic diseases. Last evaluated: 2024-11-26. Review status: criteria provided, single submitter. Criteria: Ambry Variant Classification Scheme 2023. Collection method: clinical testing. Allele origin: germline.

Genome-Nilou Lab
Classification: Uncertain significance for Developmental and epileptic encephalopathy, 14. Last evaluated: 2022-03-15. Review status: criteria provided, single submitter. Criteria: ACMG Guidelines, 2015. Collection method: clinical testing. Allele origin: germline. Affected: no.

Genome-Nilou Lab
Classification: Uncertain significance for Autosomal dominant nocturnal frontal lobe epilepsy 5. Last evaluated: 2022-03-15. Review status: criteria provided, single submitter. Criteria: ACMG Guidelines, 2015. Collection method: clinical testing. Allele origin: germline. Affected: no.

Centre of Medical Genetics, University Hospital Muenster
Classification: Uncertain significance. Last evaluated: 2022-02-28. Review status: criteria provided, single submitter. Criteria: ACMG Guidelines, 2015. Collection method: clinical testing. Allele origin: unknown. Affected: yes. Observed: 1 variant allele, 1 heterozygote.
Comment: ACMG categories: PS4

Cambridge Genomics Laboratory, East Genomic Laboratory Hub, NHS Genomic Medicine Service
Classification: Uncertain significance for Hearing impairment. Last evaluated: 2019-12-03. Review status: criteria provided, single submitter. Criteria: ACGS Best Practice Guidelines for Variant Classification in Rare Disease 2020. Collection method: clinical testing. Allele origin: germline. Affected: yes. Observed: 1 variant allele.